The following is an entry in ClinVar:

NC_000010.11:g.76697830_76699453del

Variant type: Deletion.
Genome position: GRCh38: chr10:76,697,830-76,699,453. GRCh37 (hg19): chr10:78,457,588-78,459,211.
Identifiers: ClinVar variation 157174 (VCV000157174.3), ClinGen allele CA212271.

ClinVar aggregate classification (germline): not provided (0 of 4 stars; one submission).

Conditions:
Normal pregnancy. Identifiers: MedGen C0232989.

Submission:

Institute of Molecular and Cell Biology, University of Tartu
No classification provided. Condition: Normal pregnancy. Review status: no classification provided. Collection method: case-control. Allele origin: unknown. Affected: yes. Study: Kasak2014.
Comment: The study aimed to determine the contribution of copy number variants in the genetic etiology of normal and complicated pregnancies. The samples represented (i) maternal blood DNA drawn from healthy pregnant women during 1st or 2nd trimester and (ii) maternal and paternal blood DNA drawn at term pregnancy cases representing normal and complicated gestations (severe preeclampsia, PE; gestational diabetes, GD; small-for-gestational age newborn, SGA; large-for-gestational age newborn, LGA). We performed CNV calling based on genome-wide genotyping dataset (Illumina HumanOmniExpress-24-v1 BeadChip) by applying three algorithms, QuantiSNP, GADA (Genome Alteration Detection Algorithm) and CNstream in parallel. The acquired CNV calls were merged with HD-CNV (Hotspot Detector for Copy Number Variants) program and only the CNVs predicted by at least two programs, were considered in subsequent analysis.

Literature cited by the submitters: PubMed 25666259.